The following is an entry in ClinVar:

ClinVar aggregate classification (germline): Uncertain significance (1 of 4 stars; one submission).

Submission:

Ambry Genetics
Classification: Uncertain significance. Last evaluated: 2025-10-28. Review status: criteria provided, single submitter. Criteria: Ambry Variant Classification Scheme 2023. Collection method: clinical testing. Allele origin: germline.
Comment: The p.P613Q variant (also known as c.1838C>A), located in coding exon 8 of the RNF43 gene, results from a C to A substitution at nucleotide position 1838. The proline at codon 613 is replaced by glutamine, an amino acid with similar properties. This amino acid position is conserved. In addition, this alteration is predicted to be tolerated by in silico analysis. Based on the available evidence, the clinical significance of this variant remains unclear.

NM_017763.6(RNF43):c.1838C>A (p.Pro613Gln)

Gene: RNF43 (ring finger protein 43; minus strand). Cytogenetic location: 17q22.
Variant type: single nucleotide variant.
Coding change: c.1838C>A on transcript NM_017763.6 (MANE Select); coding-DNA position 1838, C replaced by A.
Protein change: p.Pro613Gln; replaces proline 613 with glutamine.
Molecular consequence: missense variant.
Genome position (GRCh38, 1-based): chr17:58,357,938, G>T on the plus strand (C>A on the coding strand, the complement: RNF43 is on the minus strand). VCF-style: chr17-58357938-G-T. GRCh37 (hg19) VCF-style: chr17-56435299-G-T.
Other names: c.1457C>A, p.Pro486Gln (NM_001305545.2, NM_001437987.1); c.1838C>A, p.Pro613Gln (NM_001438820.1, NM_001438821.1, NM_001438822.1 and 1 more transcripts); short protein forms P613Q, P486Q.
Identifiers: ClinVar variation 4578981 (VCV004578981.1).
Genomic context (GRCh38, chr17:58,357,938, plus strand): 5'-CAGATGCTGGAGGCGTCAACTGGGCCAGGGGCTGGCTCAGGGAGGGCCCTGGGGCACTGT[G>T]GGTTAGAGAGCCGCCCCGAAGGGGCTGCTGAGTTGGATCTGGTGACTTGCTGATCAGGAG-3'
Protein context (NP_060233.3, residues 603-623): SAAPSGRLSN[Pro613Gln]QCPRALPEPA